The following is an entry in ClinVar:

ClinVar aggregate classification (germline): Likely benign (1 of 4 stars; one submission).

Allele frequency attached by ClinVar (database versions not stated): ESP Exome Variant Server 0.00177; gnomAD 0.00238; ExAC 0.00286; 1000 Genomes Project 30x 0.00297; 1000 Genomes Project 0.00319.
gnomAD v4.1: 4,050 of 1,614,028 alleles (0.25%); highest among the groups gnomAD compares: South Asian, 0.37%; 14 homozygotes.

Submission:

CeGaT Center for Human Genetics Tuebingen
Classification: Likely benign. Last evaluated: 2026-04-01. Review status: criteria provided, single submitter. Criteria: CeGaT Center For Human Genetics Tuebingen Variant Classification Criteria Version 2. Collection method: clinical testing. Allele origin: germline. Affected: yes. Observed: 2 variant alleles.
Comment: ARHGAP8: BP4, BS2; PRR5-ARHGAP8: BP4, BS2

NM_181335.3(ARHGAP8):c.955C>T (p.Arg319Cys)

Genes: ARHGAP8 (Rho GTPase activating protein 8; plus strand), PRR5-ARHGAP8 (PRR5-ARHGAP8 readthrough; plus strand). Cytogenetic location: 22q13.31.
Variant type: single nucleotide variant.
Coding change: c.955C>T on transcript NM_181335.3 (MANE Select); coding-DNA position 955, C replaced by T.
Protein change: p.Arg319Cys; replaces arginine 319 with cysteine.
Molecular consequence: missense variant. On other transcripts: intron variant (1).
Genome position (GRCh38, 1-based): chr22:44,859,808, C>T. VCF-style: chr22-44859808-C-T. GRCh37 (hg19) VCF-style: chr22-45255688-C-T.
Other names: c.1048C>T, p.Arg350Cys (NM_001017526.2); c.1348C>T, p.Arg450Cys (NM_181334.6); c.878-2467C>T (NM_001198726.2); short protein forms R319C, R350C, R450C.
Identifiers: ClinVar variation 2653279 (VCV002653279.23), dbSNP rs73176189, ClinGen allele CA10282092.